The following is an entry in ClinVar:

NM_213653.4(HJV):c.863G>A (p.Arg288Gln)

Gene: HJV (hemojuvelin BMP co-receptor; minus strand). Cytogenetic location: 1q21.1.
Variant type: single nucleotide variant.
Coding change: c.863G>A on transcript NM_213653.4 (MANE Select); coding-DNA position 863, G replaced by A.
Protein change: p.Arg288Gln; replaces arginine 288 with glutamine.
Molecular consequence: missense variant.
Genome position (GRCh38, 1-based): chr1:146,018,495, C>T on the plus strand (G>A on the coding strand, the complement: HJV is on the minus strand). VCF-style: chr1-146018495-C-T. GRCh37 (hg19) VCF-style: chr1-145416518-G-A.
Other names: c.185G>A, p.Arg62Gln (NM_001316767.2, NM_202004.4, NM_213652.4); c.863G>A, p.Arg288Gln (NM_001379352.1); c.524G>A, p.Arg175Gln (NM_145277.5); short protein forms R288Q, R62Q, R175Q.
Identifiers: ClinVar variation 3106094 (VCV003106094.3), dbSNP rs373548947, ClinGen allele CA1053908.

ClinVar aggregate classification (germline): Uncertain significance. Review status: criteria provided, multiple submitters, no conflicts (2 of 4 stars). 2 submissions from 2 submitters: Uncertain significance (2). Last evaluated 2025-01-21.

Allele frequency attached by ClinVar (database versions not stated): TOPMed below 0.00001; ExAC 0.00001; gnomAD 0.00001; gnomAD exomes 0.00001; ESP Exome Variant Server 0.00008.
gnomAD v4.1: 10 of 1,614,016 alleles (0.00062%); highest among the groups gnomAD compares: East Asian, 0.0022%; no homozygotes.

Submissions (2):

Women's Health and Genetics/Laboratory Corporation of America, LabCorp
Classification: Uncertain significance. Last evaluated: 2025-01-21. Review status: criteria provided, single submitter. Criteria: LabCorp Variant Classification Summary - May 2015. Collection method: clinical testing. Allele origin: germline.
Comment: Variant summary: HJV c.863G>A (p.Arg288Gln) results in a conservative amino acid change in the encoded protein sequence. Three of four in-silico tools predict a damaging effect of the variant on protein function. The variant allele was found at a frequency of 6.2e-06 in 1461880 control chromosomes. The available data on variant occurrences in the general population are insufficient to allow any conclusion about variant significance. c.863G>A has been reported in the literature in at least one individual affected with Hemochromatosis Type 2A (Xie_2024). These data do not allow any conclusion about variant significance. To our knowledge, no experimental evidence demonstrating an impact on protein function has been reported. The following publication has been ascertained in the context of this evaluation (PMID: 38994316). ClinVar contains an entry for this variant (Variation ID: 3106094). Based on the evidence outlined above, the variant was classified as uncertain significance.

Ambry Genetics
Classification: Uncertain significance. Last evaluated: 2022-06-21. Review status: criteria provided, single submitter. Criteria: Ambry Variant Classification Scheme 2023. Collection method: clinical testing. Allele origin: germline.

Literature cited by the submitters: PubMed 38994316 (cited by Women's Health and Genetics/Laboratory Corporation of America, LabCorp).